The following is an entry in ClinVar:

NM_017534.6(MYH2):c.3256C>G (p.Leu1086Val)

Genes: MYH2 (myosin heavy chain 2; minus strand), MYHAS (myosin heavy chain gene cluster antisense RNA; plus strand). Cytogenetic location: 17p13.1.
Variant type: single nucleotide variant.
Coding change: c.3256C>G on transcript NM_017534.6 (MANE Select); coding-DNA position 3256, C replaced by G.
Protein change: p.Leu1086Val; replaces leucine 1086 with valine.
Molecular consequence: missense variant.
Genome position (GRCh38, 1-based): chr17:10,529,343, G>C on the plus strand (C>G on the coding strand, the complement: MYH2 is on the minus strand). VCF-style: chr17-10529343-G-C. GRCh37 (hg19) VCF-style: chr17-10432660-G-C.
Other names: c.3256C>G, p.Leu1086Val (NM_001100112.2); short protein forms L1086V.
Identifiers: ClinVar variation 3643435 (VCV003643435.2).

ClinVar aggregate classification (germline): Uncertain significance (1 of 4 stars; one submission).

Conditions:
Myopathy, proximal, and ophthalmoplegia (CMYO6). Also called: MYOPATHY WITH CONGENITAL JOINT CONTRACTURES, OPHTHALMOPLEGIA, AND RIMMED VACUOLES; INCLUSION BODY MYOPATHY 3, AUTOSOMAL DOMINANT; CONGENITAL MYOPATHY 6 WITH OPHTHALMOPLEGIA. Identifiers: Orphanet 363677, Orphanet 79091, MedGen C1854106, MONDO:0011577, OMIM 605637.

Submission:

Labcorp Genetics (formerly Invitae), Labcorp
Classification: Uncertain significance for Myopathy, proximal, and ophthalmoplegia. Last evaluated: 2025-02-06. Review status: criteria provided, single submitter. Criteria: Invitae Variant Classification Sherloc (09022015). Collection method: clinical testing. Allele origin: germline.
Comment: This sequence change replaces leucine, which is neutral and non-polar, with valine, which is neutral and non-polar, at codon 1086 of the MYH2 protein (p.Leu1086Val). This variant is not present in population databases (gnomAD no frequency). This variant has not been reported in the literature in individuals affected with MYH2-related conditions. Invitae Evidence Modeling of protein sequence and biophysical properties (such as structural, functional, and spatial information, amino acid conservation, physicochemical variation, residue mobility, and thermodynamic stability) indicates that this missense variant is not expected to disrupt MYH2 protein function with a negative predictive value of 80%. In summary, the available evidence is currently insufficient to determine the role of this variant in disease. Therefore, it has been classified as a Variant of Uncertain Significance.